The following is an entry in ClinVar:

ClinVar aggregate classification (germline): Pathogenic. Review status: criteria provided, multiple submitters, no conflicts (2 of 4 stars). 2 submissions from 2 submitters: Pathogenic (2). Last evaluated 2025-05-03.

Conditions:
VPS13A-related neurodegenerative disease. Also called: LEVINE-CRITCHLEY SYNDROME; Choreoacanthocytosis; ACANTHOCYTOSIS WITH NEUROLOGIC DISORDER; Chorea-acanthocytosis; Choreaacanthocytosis; VPS13A Disease. Identifiers: Orphanet 2388, MedGen C0393576, MONDO:0008695, OMIM 200150.

Submissions (2):

Myriad Genetics, Inc.
Classification: Pathogenic for VPS13A-related neurodegenerative disease. Last evaluated: 2025-05-03. Review status: criteria provided, single submitter. Criteria: Myriad Autosomal Dominant, Autosomal Recessive and X-Linked Classification Criteria (2023). Collection method: clinical testing. Allele origin: unknown.
Comment: NM_033305.2(VPS13A):c.2624C>G(S875*) is expected to be pathogenic in the context of VPS13A disease. This variant is predicted to lead to an abnormal or absent protein product due to the creation of a premature termination codon in VPS13A, a gene where loss-of-function variants are known to be pathogenic. Please note: this variant was assessed in the context of healthy population screening.

Labcorp Genetics (formerly Invitae), Labcorp
Classification: Pathogenic. Last evaluated: 2022-12-15. Review status: criteria provided, single submitter. Criteria: Invitae Variant Classification Sherloc (09022015). Collection method: clinical testing. Allele origin: germline.
Comment: For these reasons, this variant has been classified as Pathogenic. This variant has not been reported in the literature in individuals affected with VPS13A-related conditions. This variant is not present in population databases (gnomAD no frequency). This sequence change creates a premature translational stop signal (p.Ser875*) in the VPS13A gene. It is expected to result in an absent or disrupted protein product. Loss-of-function variants in VPS13A are known to be pathogenic (PMID: 12404112, 21598378).

Literature cited by the submitters: PubMed 12404112 (cited by Labcorp Genetics (formerly Invitae), Labcorp); PubMed 21598378 (cited by Labcorp Genetics (formerly Invitae), Labcorp).

NM_033305.3(VPS13A):c.2624C>G (p.Ser875Ter)

Gene: VPS13A (vacuolar protein sorting 13 homolog A; plus strand). Cytogenetic location: 9q21.2.
Variant type: single nucleotide variant.
Coding change: c.2624C>G on transcript NM_033305.3 (MANE Select); coding-DNA position 2624, C replaced by G.
Protein change: p.Ser875Ter; replaces serine 875 with a stop codon.
Molecular consequence: nonsense.
Genome position (GRCh38, 1-based): chr9:77,275,609, C>G. VCF-style: chr9-77275609-C-G. GRCh37 (hg19) VCF-style: chr9-79890525-C-G.
Other names: c.2624C>G, p.Ser875Ter (NM_001018037.2, NM_001018038.3, NM_015186.4); short protein forms S875*.
Identifiers: ClinVar variation 2820879 (VCV002820879.4), dbSNP rs2537813053, ClinGen allele CA373844424.
Genomic context (GRCh38, chr9:77,275,609, plus strand): 5'-TTCAGTTTCCAACTGGAGTTAAAAGTATTCGAACCAGAAAGTTACAAAAGCAGGATTGTT[C>G]AGTAAATATGACTACATTTAAAATAAGATTTGAAGTACCAAAGGTAGGTACTACGGTAAA-3'